The following is an entry in ClinVar:

ClinVar aggregate classification (germline): Uncertain significance (1 of 4 stars; one submission).

Conditions:
Hereditary cancer-predisposing syndrome. Also called: Tumor predisposition; Hereditary Cancer Syndrome; Hereditary neoplastic syndrome; Neoplastic Syndromes, Hereditary. Identifiers: Orphanet 140162, MedGen C0027672, MeSH D009386, MONDO:0015356.

Allele frequency attached by ClinVar (database versions not stated): gnomAD exomes below 0.00001.
gnomAD v4.1: 1 of 1,613,902 alleles (0.000062%); highest among the groups gnomAD compares: Non-Finnish European, 0.000085%; no homozygotes.

Submission:

Ambry Genetics
Classification: Uncertain significance for Hereditary cancer-predisposing syndrome. Last evaluated: 2025-03-06. Review status: criteria provided, single submitter. Criteria: Ambry Variant Classification Scheme 2023. Collection method: clinical testing. Allele origin: germline.
Comment: The p.N642D variant (also known as c.1924A>G), located in coding exon 6 of the MET gene, results from an A to G substitution at nucleotide position 1924. The asparagine at codon 642 is replaced by aspartic acid, an amino acid with highly similar properties. This amino acid position is well conserved in available vertebrate species. In addition, this alteration is predicted to be tolerated by in silico analysis. Based on the available evidence, the clinical significance of this variant remains unclear.

NM_000245.4(MET):c.1924A>G (p.Asn642Asp)

Gene: MET (MET proto-oncogene, receptor tyrosine kinase; plus strand). Cytogenetic location: 7q31.2.
Variant type: single nucleotide variant.
Coding change: c.1924A>G on transcript NM_000245.4 (MANE Select); coding-DNA position 1924, A replaced by G.
Protein change: p.Asn642Asp; replaces asparagine 642 with aspartic acid.
Molecular consequence: missense variant.
Genome position (GRCh38, 1-based): chr7:116,757,498, A>G. VCF-style: chr7-116757498-A-G. GRCh37 (hg19) VCF-style: chr7-116397552-A-G.
Other names: c.1924A>G, p.Asn642Asp (NM_001127500.3, NM_001324401.3); c.634A>G, p.Asn212Asp (NM_001324402.2); short protein forms N642D, N212D.
Identifiers: ClinVar variation 485779 (VCV000485779.6), dbSNP rs1554395374, ClinGen allele CA368979405.
Genomic context (GRCh38, chr7:116,757,498, plus strand): 5'-TTGAAATGCACAGTTGGTCCTGCCATGAATAAGCATTTCAATATGTCCATAATTATTTCA[A>G]ATGGCCACGGGACAACACAATACAGTACATTCTCCTATGTGGTAAGGAAGATTCTATCCT-3'
Protein context (NP_000236.2, residues 632-652): KHFNMSIIIS[Asn642Asp]GHGTTQYSTF